The following is an entry in ClinVar:

ClinVar aggregate classification (germline): Uncertain significance. Review status: criteria provided, multiple submitters, no conflicts (2 of 4 stars). 2 submissions from 2 submitters: Uncertain significance (2). Last evaluated 2025-09-16.

Conditions:
Familial cancer of breast. Also called: BREAST CANCER, FAMILIAL; Hereditary breast cancer; hereditary breast carcinoma. Identifiers: Orphanet 227535, MedGen C0346153, MONDO:0016419, OMIM 114480. Disease mechanism: loss of function.
Hereditary cancer-predisposing syndrome. Also called: Neoplastic Syndromes, Hereditary; Tumor predisposition; Hereditary Cancer Syndrome; Hereditary neoplastic syndrome. Identifiers: Orphanet 140162, MedGen C0027672, MeSH D009386, MONDO:0015356.

Submissions (2):

Labcorp Genetics (formerly Invitae), Labcorp
Classification: Uncertain significance for Familial cancer of breast. Last evaluated: 2025-09-16. Review status: criteria provided, single submitter. Criteria: Invitae Variant Classification Sherloc (09022015). Collection method: clinical testing. Allele origin: germline.
Comment: This sequence change replaces leucine, which is neutral and non-polar, with proline, which is neutral and non-polar, at codon 1172 of the PALB2 protein (p.Leu1172Pro). This variant is not present in population databases (gnomAD no frequency). This variant has not been reported in the literature in individuals affected with PALB2-related conditions. ClinVar contains an entry for this variant (Variation ID: 484186). An algorithm developed to predict the effect of missense changes on protein structure and function (PolyPhen-2) suggests that this variant is likely to be disruptive. Experimental studies have shown that this missense change affects PALB2 function (PMID: 31757951, 33139182). In summary, the available evidence is currently insufficient to determine the role of this variant in disease. Therefore, it has been classified as a Variant of Uncertain Significance.

Ambry Genetics
Classification: Uncertain significance for Hereditary cancer-predisposing syndrome. Last evaluated: 2016-05-02. Review status: criteria provided, single submitter. Criteria: Ambry Variant Classification Scheme 2023. Collection method: clinical testing. Allele origin: germline.
Comment: The p.L1172P variant (also known as c.3515T>C), located in coding exon 13 of the PALB2 gene, results from a T to C substitution at nucleotide position 3515. The leucine at codon 1172 is replaced by proline, an amino acid with similar properties. This variant was not reported in population based cohorts in the following databases: Database of Single Nucleotide Polymorphisms (dbSNP), NHLBI Exome Sequencing Project (ESP), and 1000 Genomes Project. In the ESP, this variant was not observed in 6497 samples (12994 alleles) with coverage at this position. To date, this alteration has been detected with an allele frequency of approximately 0.001% (greater than 130000 alleles tested) in our clinical cohort. This amino acid position is highly conserved in available vertebrate species. In addition, the in silico prediction for this alteration is inconclusive. Since supporting evidence is limited at this time, the clinical significance of this alteration remains unclear.

Literature cited by the submitters: PubMed 31757951 (cited by Labcorp Genetics (formerly Invitae), Labcorp); PubMed 33139182 (cited by Labcorp Genetics (formerly Invitae), Labcorp).

NM_024675.4(PALB2):c.3515T>C (p.Leu1172Pro)

Gene: PALB2 (partner and localizer of BRCA2; minus strand). Cytogenetic location: 16p12.2.
Variant type: single nucleotide variant.
Coding change: c.3515T>C on transcript NM_024675.4 (MANE Select); coding-DNA position 3515, T replaced by C.
Protein change: p.Leu1172Pro; replaces leucine 1172 with proline.
Molecular consequence: missense variant.
Genome position (GRCh38, 1-based): chr16:23,603,505, A>G on the plus strand (T>C on the coding strand, the complement: PALB2 is on the minus strand). VCF-style: chr16-23603505-A-G. GRCh37 (hg19) VCF-style: chr16-23614826-A-G.
Other names: short protein forms L1172P.
Identifiers: ClinVar variation 484186 (VCV000484186.14), dbSNP rs1555457845, ClinGen allele CA395137855.
Genomic context (GRCh38, chr16:23,603,505, plus strand): 5'-CACTTTACCCTAACTTATGAATAGTGGTATACAAATATATTTCCATCTTTTTGTCCAGCC[A>G]GCAAATGAGAGTCTGTACCCGACCATTTCACAAAAGACCAATGTTGGTCAGAGACAGGTG-3'
Protein context (NP_078951.2, residues 1162-1182): VKWSGTDSHL[Leu1172Pro]AGQKDGNIFV